The following is an entry in ClinVar:

NM_000257.4(MYH7):c.2480G>T (p.Trp827Leu)

Genes: MYH7 (myosin heavy chain 7; minus strand), LOC126861898 (BRD4-independent group 4 enhancer GRCh37_chr14:23893609-23894808; plus strand). Cytogenetic location: 14q11.2.
Variant type: single nucleotide variant.
Coding change: c.2480G>T on transcript NM_000257.4 (MANE Select); coding-DNA position 2480, G replaced by T.
Protein change: p.Trp827Leu; replaces tryptophan 827 with leucine.
Molecular consequence: missense variant.
Genome position (GRCh38, 1-based): chr14:23,424,968, C>A on the plus strand (G>T on the coding strand, the complement: MYH7 is on the minus strand). VCF-style: chr14-23424968-C-A. GRCh37 (hg19) VCF-style: chr14-23894177-C-A.
Other names: short protein forms W827L.
Identifiers: ClinVar variation 228902 (VCV000228902.13), dbSNP rs542565151, ClinGen allele CA033052.

ClinVar aggregate classification (germline): Uncertain significance. Review status: criteria provided, multiple submitters, no conflicts (2 of 4 stars). 3 submissions from 3 submitters: Uncertain significance (3). Last evaluated 2021-12-01.

Conditions:
Cardiovascular phenotype. Identifiers: MedGen CN230736.

Allele frequency attached by ClinVar (database versions not stated): ExAC 0.00001; gnomAD 0.00001; 1000 Genomes Project 30x 0.00016; 1000 Genomes Project 0.00020.
gnomAD v4.1: 1 of 1,614,218 alleles (0.000062%); highest among the groups gnomAD compares: South Asian, 0.0011%; no homozygotes.

Submissions (3):

GeneDx
Classification: Uncertain significance. Last evaluated: 2021-12-01. Review status: criteria provided, single submitter. Criteria: GeneDx Variant Classification Process June 2021. Collection method: clinical testing. Allele origin: germline. Affected: yes.
Comment: Has not been previously published as pathogenic or benign to our knowledge; Not observed at a significant frequency in large population cohorts (Lek et al., 2016); In silico analysis supports that this missense variant has a deleterious effect on protein structure/function; Reported in ClinVar but additional evidence is not available (ClinVar Variant ID# 228902; Landrum et al., 2016); This variant is associated with the following publications: (PMID: 20624503)

Ambry Genetics
Classification: Uncertain significance for Cardiovascular phenotype. Last evaluated: 2017-09-06. Review status: criteria provided, single submitter. Criteria: Ambry Variant Classification Scheme 2023. Collection method: clinical testing. Allele origin: germline.
Comment: The p.W827L variant (also known as c.2480G>T), located in coding exon 20 of the MYH7 gene, results from a G to T substitution at nucleotide position 2480. The tryptophan at codon 827 is replaced by leucine, an amino acid with similar properties. Another alteration affecting the same amino acid, p.W827C (c.2481G>T), has been reported in association with hypertrophic cardiomyopathy (HCM) (Millat G et al. 2010 Eur J Med Genet Jul;53:261-7). This amino acid position is highly conserved in available vertebrate species. In addition, this alteration is predicted to be deleterious by in silico analysis. Since supporting evidence is limited at this time, the clinical significance of this alteration remains unclear.

Laboratory for Molecular Medicine, Mass General Brigham Personalized Medicine
Classification: Uncertain significance. Last evaluated: 2015-12-04. Review status: criteria provided, single submitter. Criteria: LMM Criteria. Collection method: clinical testing. Allele origin: germline. Observed: 1 variant allele.
Comment: The p.Trp827Leu variant in MYH7 has not been previously reported in individuals with cardiomyopathy but has been identified in 1/16510 South Asian chromosomes b y the Exome Aggregation Consortium (ExAC; dbSNP rs542565151). Computational prediction tools and conservation analysis suggest t hat this variant may impact the protein, though this information is not predicti ve enough to determine pathogenicity. In summary, the clinical significance of t he p.Trp827Leu variant is uncertain.

Literature cited by the submitters: PubMed 20624503 (cited by Ambry Genetics).